The following is an entry in ClinVar:

NM_012062.5(DNM1L):c.1325T>A (p.Ile442Asn)

Gene: DNM1L (dynamin 1 like; plus strand). Cytogenetic location: 12p11.21.
Variant type: single nucleotide variant.
Coding change: c.1325T>A on transcript NM_012062.5 (MANE Select); coding-DNA position 1325, T replaced by A.
Protein change: p.Ile442Asn; replaces isoleucine 442 with asparagine.
Molecular consequence: missense variant.
Genome position (GRCh38, 1-based): chr12:32,731,480, T>A. VCF-style: chr12-32731480-T-A. GRCh37 (hg19) VCF-style: chr12-32884414-T-A.
Other names: c.1325T>A, p.Ile442Asn (NM_001278463.2, NM_005690.5, NM_012063.4); c.1364T>A, p.Ile455Asn (NM_001278464.2, NM_001278465.2, NM_001330380.2); c.716T>A, p.Ile239Asn (NM_001278466.2); short protein forms I239N, I442N, I455N.
Identifiers: ClinVar variation 2500314 (VCV002500314.1), dbSNP rs2541081107, ClinGen allele CA384358805.

ClinVar aggregate classification (germline): Uncertain significance (1 of 4 stars; one submission).

Conditions:
Encephalopathy, lethal, due to defective mitochondrial peroxisomal fission 1. Identifiers: Orphanet 330050, MedGen C3280660, MONDO:0013726, OMIM 614388.

Submission:

Institute of Human Genetics, University of Leipzig Medical Center
Classification: Uncertain significance for Encephalopathy, lethal, due to defective mitochondrial peroxisomal fission 1. Last evaluated: 2023-03-28. Review status: criteria provided, single submitter. Criteria: ACMG Guidelines, 2015. Collection method: clinical testing. Allele origin: unknown. Affected: yes.
Comment: _x000D_ Criteria applied: PM2_SUP, PP2, PP3